The following is an entry in ClinVar:

ClinVar aggregate classification (germline): Uncertain significance (1 of 4 stars; one submission).

Allele frequency attached by ClinVar (database versions not stated): gnomAD exomes 0.00001; gnomAD 0.00003; TOPMed 0.00003; ExAC 0.00006.
gnomAD v4.1: 17 of 1,613,634 alleles (0.0011%); highest among the groups gnomAD compares: East Asian, 0.033%; no homozygotes.

Submission:

Labcorp Genetics (formerly Invitae), Labcorp
Classification: Uncertain significance. Last evaluated: 2025-02-19. Review status: criteria provided, single submitter. Criteria: Invitae Variant Classification Sherloc (09022015). Collection method: clinical testing. Allele origin: germline.
Comment: This sequence change replaces isoleucine, which is neutral and non-polar, with valine, which is neutral and non-polar, at codon 252 of the AXL protein (p.Ile252Val). The frequency data for this variant in the population databases is considered unreliable, as metrics indicate poor data quality at this position in the gnomAD database. This variant has not been reported in the literature in individuals affected with AXL-related conditions. ClinVar contains an entry for this variant (Variation ID: 2960046). Invitae Evidence Modeling of protein sequence and biophysical properties (such as structural, functional, and spatial information, amino acid conservation, physicochemical variation, residue mobility, and thermodynamic stability) indicates that this missense variant is not expected to disrupt AXL protein function with a negative predictive value of 80%. In summary, the available evidence is currently insufficient to determine the role of this variant in disease. Therefore, it has been classified as a Variant of Uncertain Significance.

NM_021913.5(AXL):c.754A>G (p.Ile252Val)

Gene: AXL (AXL receptor tyrosine kinase; plus strand). Cytogenetic location: 19q13.2.
Variant type: single nucleotide variant.
Coding change: c.754A>G on transcript NM_021913.5 (MANE Select); coding-DNA position 754, A replaced by G.
Protein change: p.Ile252Val; replaces isoleucine 252 with valine.
Molecular consequence: missense variant. On other transcripts: 5 prime UTR variant (1).
Genome position (GRCh38, 1-based): chr19:41,231,269, A>G. VCF-style: chr19-41231269-A-G. GRCh37 (hg19) VCF-style: chr19-41737174-A-G.
Other names: c.-51A>G (NM_001278599.2); c.754A>G, p.Ile252Val (NM_001699.6); short protein forms I252V.
Identifiers: ClinVar variation 2960046 (VCV002960046.3), dbSNP rs756064558, ClinGen allele CA9458046.